The following is an entry in ClinVar:

ClinVar aggregate classification (germline): Uncertain significance (1 of 4 stars; one submission).

Conditions:
Severe myoclonic epilepsy in infancy (DRVT). Also called: Epileptic encephalopathy, early infantile, 6 (Dravet syndrome); SEVERE MYOCLONIC EPILEPSY OF INFANCY; DEVELOPMENTAL AND EPILEPTIC ENCEPHALOPATHY 6A; Severe Myoclonic Epilepsy in Infancy (SMEI); Dravet syndrome. Identifiers: Orphanet 33069, MedGen C0751122, MONDO:0100135, OMIM 607208.

Submission:

Labcorp Genetics (formerly Invitae), Labcorp
Classification: Uncertain significance for Severe myoclonic epilepsy in infancy. Last evaluated: 2022-05-09. Review status: criteria provided, single submitter. Criteria: Invitae Variant Classification Sherloc (09022015). Collection method: clinical testing. Allele origin: germline.
Comment: In summary, the available evidence is currently insufficient to determine the role of this variant in disease. Therefore, it has been classified as a Variant of Uncertain Significance. Algorithms developed to predict the effect of missense changes on protein structure and function (SIFT, PolyPhen-2, Align-GVGD) all suggest that this variant is likely to be disruptive. This sequence change replaces glutamic acid, which is acidic and polar, with lysine, which is basic and polar, at codon 366 of the SNX27 protein (p.Glu366Lys). This variant is not present in population databases (gnomAD no frequency). This variant has not been reported in the literature in individuals affected with SNX27-related conditions.

NM_001330723.2(SNX27):c.1096G>A (p.Glu366Lys)

Gene: SNX27 (sorting nexin 27; plus strand). Cytogenetic location: 1q21.3.
Variant type: single nucleotide variant.
Coding change: c.1096G>A on transcript NM_001330723.2 (MANE Select); coding-DNA position 1096, G replaced by A.
Protein change: p.Glu366Lys; replaces glutamic acid 366 with lysine.
Molecular consequence: missense variant.
Genome position (GRCh38, 1-based): chr1:151,668,582, G>A. VCF-style: chr1-151668582-G-A. GRCh37 (hg19) VCF-style: chr1-151641058-G-A.
Other names: c.1096G>A, p.Glu366Lys (NM_030918.6); short protein forms E366K.
Identifiers: ClinVar variation 2133543 (VCV002133543.4), dbSNP rs2525037809, ClinGen allele CA341966391.
Genomic context (GRCh38, chr1:151,668,582, plus strand): 5'-TATACATCAGCTGTGCCAGGCACCTGCTTGACCATTCGAAAGTGGCTTTTTACAACAGAA[G>A]AAGAAATTCTCTTAAATGACAATGACCTTGCTGTTACCTACTTCTTTCATCAGGTAGGTG-3'
Protein context (NP_001317652.1, residues 356-376): TIRKWLFTTE[Glu366Lys]EILLNDNDLA